The following is an entry in ClinVar:

NM_057175.5(NAA15):c.2458G>A (p.Ala820Thr)

Gene: NAA15 (N-alpha-acetyltransferase 15, NatA auxiliary subunit; plus strand). Cytogenetic location: 4q31.1.
Variant type: single nucleotide variant.
Coding change: c.2458G>A on transcript NM_057175.5 (MANE Select); coding-DNA position 2458, G replaced by A.
Protein change: p.Ala820Thr; replaces alanine 820 with threonine.
Molecular consequence: missense variant.
Genome position (GRCh38, 1-based): chr4:139,387,941, G>A. VCF-style: chr4-139387941-G-A. GRCh37 (hg19) VCF-style: chr4-140309095-G-A.
Other names: c.2455G>A, p.Ala819Thr (NM_001410842.1); short protein forms A819T, A820T.
Identifiers: ClinVar variation 3767738 (VCV003767738.2).

ClinVar aggregate classification (germline): Uncertain significance. Review status: criteria provided, multiple submitters, no conflicts (2 of 4 stars). 2 submissions from 2 submitters: Uncertain significance (2). Last evaluated 2024-09-04.

gnomAD v4.1: 1 of 1,614,014 alleles (0.000062%); highest among the groups gnomAD compares: Non-Finnish European, 0.000085%; no homozygotes.

Submissions (2):

GeneDx
Classification: Uncertain significance. Last evaluated: 2024-09-04. Review status: criteria provided, single submitter. Criteria: GeneDx Variant Classification Process June 2021. Collection method: clinical testing. Allele origin: germline. Affected: yes.
Comment: Not observed at significant frequency in large population cohorts (gnomAD); In silico analysis indicates that this missense variant does not alter protein structure/function; Has not been previously published as pathogenic or benign to our knowledge

Blueprint Genetics
Classification: Uncertain significance. Last evaluated: 2021-08-13. Review status: criteria provided, single submitter. Criteria: ACMG Guidelines, 2015. Collection method: clinical testing. Allele origin: germline.